The following is an entry in ClinVar:

ClinVar aggregate classification (germline): Pathogenic (1 of 4 stars; one submission).

Submission:

Labcorp Genetics (formerly Invitae), Labcorp
Classification: Pathogenic. Last evaluated: 2023-10-22. Review status: criteria provided, single submitter. Criteria: Invitae Variant Classification Sherloc (09022015). Collection method: clinical testing. Allele origin: unknown.
Comment: A gross deletion of the genomic region encompassing the full coding sequence of the COL4A5 gene has been identified. Loss-of-function variants in COL4A5 are known to be pathogenic (PMID: 9195222, 10752524, 14514738, 24854265, 26809805). The boundaries of this event are unknown as they extend beyond the assayed region for this gene and therefore may encompass additional genes. A similar copy number variant has been observed in individual(s) with Alport syndrome (PMID: 18584212). For these reasons, this variant has been classified as Pathogenic.

Literature cited by the submitters: PubMed 9195222; PubMed 10752524; PubMed 14514738; PubMed 24854265; PubMed 26809805; PubMed 18584212.

NC_000023.10:g.(?_107683356)_(107939608_?)del

Gene: COL4A5 (collagen type IV alpha 5 chain; plus strand). Cytogenetic location: Xq22.3.
Variant type: Deletion.
Identifiers: ClinVar variation 3246221 (VCV003246221.1).